The following is an entry in ClinVar:

NM_001401501.2(MUC16):c.39168A>T (p.Ser13056=)

Gene: MUC16 (mucin 16, cell surface associated; minus strand). Cytogenetic location: 19p13.2.
Variant type: single nucleotide variant.
Coding change: c.39168A>T on transcript NM_001401501.2 (MANE Select); coding-DNA position 39168, A replaced by T.
Protein change: p.Ser13056=; no amino-acid change (serine 13056 retained).
Molecular consequence: synonymous variant.
Genome position (GRCh38, 1-based): chr19:8,900,003, T>A on the plus strand (A>T on the coding strand, the complement: MUC16 is on the minus strand). VCF-style: chr19-8900003-T-A. GRCh37 (hg19) VCF-style: chr19-9010679-T-A.
Other names: c.39594A>T, p.Ser13198= (NM_001414686.1); c.39048A>T, p.Ser13016= (NM_001414687.1); c.38982A>T, p.Ser12994= (NM_024690.2).
Identifiers: ClinVar variation 3056722 (VCV003056722.2), dbSNP rs796404806, ClinGen allele CA305081410.

ClinVar aggregate classification (germline): Benign (0 of 4 stars; one submission).

Conditions:
MUC16-related disorder. Also called: MUC16-related condition.

Allele frequency attached by ClinVar (database versions not stated): 1000 Genomes Project 30x 0.01249.

Submission:

PreventionGenetics, part of Exact Sciences
Classification: Benign for MUC16-related condition. Last evaluated: 2019-02-19. Review status: no assertion criteria provided. Collection method: clinical testing. Allele origin: germline.
Comment: This variant is classified as benign based on ACMG/AMP sequence variant interpretation guidelines (Richards et al. 2015 PMID: 25741868, with internal and published modifications).